The following is an entry in ClinVar:

NM_183050.4(BCKDHB):c.*1142C>G

Gene: BCKDHB (branched chain keto acid dehydrogenase E1 subunit beta; plus strand). Cytogenetic location: 6q14.1.
Variant type: single nucleotide variant.
Coding change: c.*1142C>G on transcript NM_183050.4 (MANE Select); 1142 bases downstream of the stop codon, C replaced by G.
Molecular consequence: 3 prime UTR variant. On other transcripts: non-coding transcript variant (1), intron variant (1).
Genome position (GRCh38, 1-based): chr6:80,344,946, C>G. VCF-style: chr6-80344946-C-G. GRCh37 (hg19) VCF-style: chr6-81054663-C-G.
Other names: c.*1142C>G (NM_001318975.1); c.*9-1029C>G (NM_000056.5).
Identifiers: ClinVar variation 358198 (VCV000358198.5), dbSNP rs1042367, ClinGen allele CA10622797.
Genomic context (GRCh38, chr6:80,344,946, plus strand): 5'-TGATAATTCATGACATTCTGAAACTTGCCTGTATATTATCTGAAAAATGGATTTCTTGAG[C>G]AAAAGATCTGTTTATTGTATGTAAGGAAAAATTTTACCTGAAAACAAACAAACAAACCCT-3'

ClinVar aggregate classification (germline): Benign (1 of 4 stars; one submission).

Conditions:
Maple syrup urine disease (MSUD). Identifiers: Orphanet 511, MedGen C0024776, MeSH D008375, MONDO:0009563. Disease mechanism: loss of function.

Allele frequency attached by ClinVar (database versions not stated): 1000 Genomes Project 0.68870; 1000 Genomes Project 30x 0.68926; TOPMed 0.75564; gnomAD 0.75871.

Submission:

Illumina Laboratory Services, Illumina
Classification: Benign for Maple syrup urine disease type 1A. Last evaluated: 2018-01-12. Review status: criteria provided, single submitter. Criteria: ICSL Variant Classification Criteria 13 December 2019. Collection method: clinical testing. Allele origin: germline.
Comment: This variant was observed in the ICSL laboratory as part of a predisposition screen in an ostensibly healthy population. It had not been previously curated by ICSL or reported in the Human Gene Mutation Database (HGMD: prior to June 1st, 2018), and was therefore a candidate for classification through an automated scoring system. Utilizing variant allele frequency, disease prevalence and penetrance estimates, and inheritance mode, an automated score was calculated to assess if this variant is too frequent to cause the disease. Based on the score and internal cut-off values, a variant classified as benign is not then subjected to further curation. The score for this variant resulted in a classification of benign for this disease.